The following is an entry in ClinVar:

NM_002691.4(POLD1):c.1494+222G>C

Gene: POLD1 (DNA polymerase delta 1, catalytic subunit; plus strand). Cytogenetic location: 19q13.33.
Variant type: single nucleotide variant.
Coding change: c.1494+222G>C on transcript NM_002691.4 (MANE Select); 222 bases into the intron after coding-DNA position 1494, G replaced by C.
Molecular consequence: intron variant.
Genome position (GRCh38, 1-based): chr19:50,406,739, G>C. VCF-style: chr19-50406739-G-C. GRCh37 (hg19) VCF-style: chr19-50909996-G-C.
Other names: c.1494+222G>C (NM_001256849.1, NM_001438212.1, NM_001438213.1 and 3 more transcripts).
Identifiers: ClinVar variation 4883647 (VCV004883647.2).
Genomic context (GRCh38, chr19:50,406,739, plus strand): 5'-CCCCAGATTTCTCTCCACTCCTGTGACCTCTGTCACTATGACCTTGTCTCTGCTTTCCTG[G>C]CCTGACCACAGGTCCACGGTGGCCTTCAGGCTGCTCCCTCCTCCTCCCTCTGGCCCTGTG-3'

ClinVar aggregate classification (germline): Uncertain significance (1 of 4 stars; one submission).

gnomAD v4.1: 71 of 152,024 alleles (0.047%); highest among the groups gnomAD compares: Middle Eastern, 0.34%; no homozygotes.

Submission:

Dasa
Classification: Uncertain significance. Last evaluated: 2025-12-03. Review status: criteria provided, single submitter. Criteria: DASA Assertion Criteria. Collection method: clinical testing. Allele origin: germline.
Comment: NM_002691.4(POLD1):c.1494+222G>C is an intronic variant. This variant is rare in population databases. The currently available literature and clinical evidence are not sufficient to establish a definitive association between this variant and the reported condition. Therefore, this variant is classified as a variant of uncertain significance.